The following is an entry in ClinVar:

ClinVar aggregate classification (germline): Uncertain significance (1 of 4 stars; one submission).

Conditions:
Combined oxidative phosphorylation defect type 14. Also called: Combined oxidative phosphorylation deficiency 14. Identifiers: Orphanet 319519, MedGen C4755312, MONDO:0013986, OMIM 614946.

Submission:

Labcorp Genetics (formerly Invitae), Labcorp
Classification: Uncertain significance for Combined oxidative phosphorylation defect type 14. Last evaluated: 2021-12-30. Review status: criteria provided, single submitter. Criteria: Invitae Variant Classification Sherloc (09022015). Collection method: clinical testing. Allele origin: germline.
Comment: In summary, the available evidence is currently insufficient to determine the role of this variant in disease. Therefore, it has been classified as a Variant of Uncertain Significance. This variant disrupts a region of the FARS2 protein in which other variant(s) (p.Cys266Tyr) have been observed in individuals with FARS2-related conditions (PMID: 33176815). This suggests that this is a clinically significant region of the protein, and that variants that disrupt it are likely to be disease-causing. Experimental studies and prediction algorithms are not available or were not evaluated, and the functional significance of this variant is currently unknown. This variant has not been reported in the literature in individuals affected with FARS2-related conditions. This variant is a gross deletion of the genomic region encompassing exon(s) 4 of the FARS2 gene. This variant would be expected to be in-frame, preserving the integrity of the reading frame.

Literature cited by the submitters: PubMed 33176815.

NC_000006.11:g.(?_5431254)_(5431425_?)del

Gene: FARS2 (phenylalanyl-tRNA synthetase 2, mitochondrial; plus strand). Cytogenetic location: 6p25.1.
Variant type: Deletion.
Identifiers: ClinVar variation 1024826 (VCV001024826.6).